The following is an entry in ClinVar:

NM_001382430.1(AKT1):c.457C>A (p.Leu153Met)

Gene: AKT1 (AKT serine/threonine kinase 1; minus strand). Cytogenetic location: 14q32.33.
Variant type: single nucleotide variant.
Coding change: c.457C>A on transcript NM_001382430.1 (MANE Select); coding-DNA position 457, C replaced by A.
Protein change: p.Leu153Met; replaces leucine 153 with methionine.
Molecular consequence: missense variant.
Genome position (GRCh38, 1-based): chr14:104,775,186, G>T on the plus strand (C>A on the coding strand, the complement: AKT1 is on the minus strand). VCF-style: chr14-104775186-G-T. GRCh37 (hg19) VCF-style: chr14-105241523-G-T.
Other names: c.457C>A, p.Leu153Met (NM_001014431.2, NM_001014432.2, NM_001382431.1 and 3 more transcripts); short protein forms L153M.
Identifiers: ClinVar variation 4036123 (VCV004036123.1).
Genomic context (GRCh38, chr14:104,775,186, plus strand): 5'-CTGTGGCCTTCTCCTTCACCAGGATCACCTTGCCGAAAGTGCCCTTGCCCAGCAGCTTCA[G>T]GTACTCAAACTCGTTCATGGTCTATGGGCAGGCACCAGGGTCAGCAAGCGGCGCTGCCAA-3'
Protein context (NP_001369359.1, residues 143-163): HRVTMNEFEY[Leu153Met]KLLGKGTFGK

ClinVar aggregate classification (germline): Uncertain significance (1 of 4 stars; one submission).

Conditions:
Inborn genetic diseases. Identifiers: MedGen C0950123, MeSH D030342.

Submission:

Ambry Genetics
Classification: Uncertain significance for Inborn genetic diseases. Last evaluated: 2025-05-18. Review status: criteria provided, single submitter. Criteria: Ambry Variant Classification Scheme 2023. Collection method: clinical testing. Allele origin: germline.
Comment: The p.L153M variant (also known as c.457C>A), located in coding exon 5 of the AKT1 gene, results from a C to A substitution at nucleotide position 457. The leucine at codon 153 is replaced by methionine, an amino acid with highly similar properties. This amino acid position is conserved. In addition, this alteration is predicted to be tolerated by in silico analysis. Based on the available evidence, the clinical significance of this variant remains unclear.